The following is an entry in ClinVar:

NM_005120.3(MED12):c.5405A>G (p.Tyr1802Cys)

Gene: MED12 (mediator complex subunit 12; plus strand). Cytogenetic location: Xq13.1.
Variant type: single nucleotide variant.
Coding change: c.5405A>G on transcript NM_005120.3 (MANE Select); coding-DNA position 5405, A replaced by G.
Protein change: p.Tyr1802Cys; replaces tyrosine 1802 with cysteine.
Molecular consequence: missense variant.
Genome position (GRCh38, 1-based): chrX:71,136,883, A>G. VCF-style: chrX-71136883-A-G. GRCh37 (hg19) VCF-style: chrX-70356733-A-G.
Other names: c.5405A>G (NM_005120.2); short protein forms Y1802C.
Identifiers: ClinVar variation 2059687 (VCV002059687.6), dbSNP rs375152466, ClinGen allele CA330983530.

ClinVar aggregate classification (germline): Conflicting classifications of pathogenicity. Review status: criteria provided, conflicting classifications (1 of 4 stars). 3 submissions from 3 submitters: Uncertain significance (2); Benign (1). Last evaluated 2025-06-07.

Conditions:
FG syndrome (FGS). Identifiers: MedGen C0220769, MONDO:0002010.
Familial thoracic aortic aneurysm and aortic dissection (TAAD). Also called: Thoracic aortic aneurysms and dissections. Identifiers: Orphanet 91387, MedGen C4707243, MONDO:0019625.

Allele frequency attached by ClinVar (database versions not stated): gnomAD exomes below 0.00001; gnomAD 0.00001; TOPMed 0.00004; ESP Exome Variant Server 0.00010.
gnomAD v4.1: 4 of 1,209,140 alleles (0.00033%); highest among the groups gnomAD compares: African/African-American, 0.0035%; no homozygotes.

Submissions (3):

Ambry Genetics
Classification: Uncertain significance for Familial thoracic aortic aneurysm and aortic dissection. Last evaluated: 2025-06-07. Review status: criteria provided, single submitter. Criteria: Ambry Variant Classification Scheme 2023. Collection method: clinical testing. Allele origin: germline.
Comment: The p.Y1802C variant (also known as c.5405A>G), located in coding exon 38 of the MED12 gene, results from an A to G substitution at nucleotide position 5405. The tyrosine at codon 1802 is replaced by cysteine, an amino acid with highly dissimilar properties. This amino acid position is conserved. In addition, this alteration is predicted to be tolerated by in silico analysis. Based on the available evidence, the clinical significance of this variant remains unclear.

GeneDx
Classification: Uncertain significance. Last evaluated: 2023-11-03. Review status: criteria provided, single submitter. Criteria: GeneDx Variant Classification Process June 2021. Collection method: clinical testing. Allele origin: germline. Affected: yes.
Comment: Not observed at a significant frequency in large population cohorts (gnomAD); In silico analysis supports that this missense variant has a deleterious effect on protein structure/function; Has not been previously published as pathogenic or benign to our knowledge

Labcorp Genetics (formerly Invitae), Labcorp
Classification: Benign for FG syndrome. Last evaluated: 2022-05-14. Review status: criteria provided, single submitter. Criteria: Invitae Variant Classification Sherloc (09022015). Collection method: clinical testing. Allele origin: germline.